The following is an entry in ClinVar:

NM_000447.3(PSEN2):c.864A>G (p.Ile288Met)

Gene: PSEN2 (presenilin 2; plus strand). Cytogenetic location: 1q42.13.
Variant type: single nucleotide variant.
Coding change: c.864A>G on transcript NM_000447.3 (MANE Select); coding-DNA position 864, A replaced by G.
Protein change: p.Ile288Met; replaces isoleucine 288 with methionine.
Molecular consequence: missense variant.
Genome position (GRCh38, 1-based): chr1:226,890,111, A>G. VCF-style: chr1-226890111-A-G. GRCh37 (hg19) VCF-style: chr1-227077812-A-G.
Other names: c.864A>G, p.Ile288Met (NM_012486.3); short protein forms I288M.
Identifiers: ClinVar variation 3010845 (VCV003010845.3), dbSNP rs1358203358, ClinGen allele CA345042049.

ClinVar aggregate classification (germline): Uncertain significance (1 of 4 stars; one submission).

Conditions:
Alzheimer disease 4 (AD4). Identifiers: Orphanet 1020, MedGen C1847200, MONDO:0011743, OMIM 606889.

Allele frequency attached by ClinVar (database versions not stated): gnomAD exomes below 0.00001; TOPMed below 0.00001; gnomAD 0.00001.
gnomAD v4.1: 7 of 1,613,680 alleles (0.00043%); highest among the groups gnomAD compares: Non-Finnish European, 0.00034%; no homozygotes.

Submission:

Labcorp Genetics (formerly Invitae), Labcorp
Classification: Uncertain significance for Alzheimer disease 4. Last evaluated: 2022-12-16. Review status: criteria provided, single submitter. Criteria: Invitae Variant Classification Sherloc (09022015). Collection method: clinical testing. Allele origin: germline.
Comment: This variant is not present in population databases (gnomAD no frequency). This sequence change replaces isoleucine, which is neutral and non-polar, with methionine, which is neutral and non-polar, at codon 288 of the PSEN2 protein (p.Ile288Met). This variant has not been reported in the literature in individuals affected with PSEN2-related conditions. Advanced modeling of protein sequence and biophysical properties (such as structural, functional, and spatial information, amino acid conservation, physicochemical variation, residue mobility, and thermodynamic stability) has been performed at Invitae for this missense variant, however the output from this modeling did not meet the statistical confidence thresholds required to predict the impact of this variant on PSEN2 protein function. In summary, the available evidence is currently insufficient to determine the role of this variant in disease. Therefore, it has been classified as a Variant of Uncertain Significance.